The following is an entry in ClinVar:

ClinVar aggregate classification (germline): Uncertain significance. Review status: criteria provided, multiple submitters, no conflicts (2 of 4 stars). 4 submissions from 4 submitters: Uncertain significance (4). Last evaluated 2026-03-09.

Conditions:
Cardiovascular phenotype. Identifiers: MedGen CN230736.
Familial hyperaldosteronism type III. Also called: FH III; Familial hyperaldosteronism type 3. Identifiers: Orphanet 251274, MedGen C3838758, MONDO:0013359, OMIM 613677.
Long QT syndrome 13 (LQT13). Identifiers: Orphanet 101016, Orphanet 768, MedGen C3150733, MONDO:0013279, OMIM 613485.
Long QT syndrome (LQTS). Identifiers: MedGen C0023976, MeSH D008133, MONDO:0002442. Disease mechanism: loss of function. Inheritance: Various modes of inheritance.

Allele frequency attached by ClinVar (database versions not stated): gnomAD exomes below 0.00001 and 0.00001; ExAC 0.00001; gnomAD 0.00001; TOPMed 0.00002.

Submissions (4):

GeneDx
Classification: Uncertain significance. Last evaluated: 2026-03-09. Review status: criteria provided, single submitter. Criteria: GeneDx Variant Classification Process June 2021. Collection method: clinical testing. Allele origin: germline.
Comment: Not observed at significant frequency in large population cohorts (gnomAD); In silico analysis suggests that this missense variant does not alter protein structure/function; Has not been previously published as pathogenic or benign to our knowledge

Ambry Genetics
Classification: Uncertain significance for Cardiovascular phenotype. Last evaluated: 2025-10-02. Review status: criteria provided, single submitter. Criteria: Ambry Variant Classification Scheme 2023. Collection method: clinical testing. Allele origin: germline.
Comment: The p.D123N variant (also known as c.367G>A), located in coding exon 1 of the KCNJ5 gene, results from a G to A substitution at nucleotide position 367. The aspartic acid at codon 123 is replaced by asparagine, an amino acid with highly similar properties. This amino acid position is well conserved in available vertebrate species. In addition, this alteration is predicted to be tolerated by in silico analysis. Based on the available evidence, the clinical significance of this variant remains unclear.

Fulgent Genetics
Classification: Uncertain significance for Long QT syndrome 13; Familial hyperaldosteronism type III. Last evaluated: 2022-04-27. Review status: criteria provided, single submitter. Criteria: ACMG Guidelines, 2015. Collection method: clinical testing. Allele origin: unknown.

Labcorp Genetics (formerly Invitae), Labcorp
Classification: Uncertain significance for Long QT syndrome. Last evaluated: 2017-07-31. Review status: criteria provided, single submitter. Criteria: Invitae Variant Classification Sherloc (09022015). Collection method: clinical testing. Allele origin: germline.
Comment: This variant has not been reported in the literature in individuals with KCNJ5-related disease. This variant is present in population databases (rs752310426, ExAC 0.001%). This sequence change replaces aspartic acid with asparagine at codon 123 of the KCNJ5 protein (p.Asp123Asn). The aspartic acid residue is moderately conserved and there is a small physicochemical difference between aspartic acid and asparagine. Algorithms developed to predict the effect of missense changes on protein structure and function do not agree on the potential impact of this missense change (SIFT: "Tolerated"; PolyPhen-2: "Probably Damaging"; Align-GVGD: "Class C0"). In summary, the available evidence is currently insufficient to determine the role of this variant in disease. Therefore, it has been classified as a Variant of Uncertain Significance.

NM_000890.5(KCNJ5):c.367G>A (p.Asp123Asn)

Gene: KCNJ5 (potassium inwardly rectifying channel subfamily J member 5; plus strand). Cytogenetic location: 11q24.3.
Variant type: single nucleotide variant.
Coding change: c.367G>A on transcript NM_000890.5 (MANE Select); coding-DNA position 367, G replaced by A.
Protein change: p.Asp123Asn; replaces aspartic acid 123 with asparagine.
Molecular consequence: missense variant.
Genome position (GRCh38, 1-based): chr11:128,911,640, G>A. VCF-style: chr11-128911640-G-A. GRCh37 (hg19) VCF-style: chr11-128781535-G-A.
Other names: c.367G>A (LRG_333t1); c.367G>A, p.Asp123Asn (NM_001354169.2); short protein forms D123N.
Identifiers: ClinVar variation 457007 (VCV000457007.11), dbSNP rs752310426, ClinGen allele CA6357862.